The following is an entry in ClinVar:

NM_182961.4(SYNE1):c.24719G>A (p.Trp8240Ter)

Gene: SYNE1 (spectrin repeat containing nuclear envelope protein 1; minus strand). Cytogenetic location: 6q25.2.
Variant type: single nucleotide variant.
Coding change: c.24719G>A on transcript NM_182961.4 (MANE Select); coding-DNA position 24719, G replaced by A.
Protein change: p.Trp8240Ter; replaces tryptophan 8240 with a stop codon.
Molecular consequence: nonsense.
Genome position (GRCh38, 1-based): chr6:152,148,302, C>T on the plus strand (G>A on the coding strand, the complement: SYNE1 is on the minus strand). VCF-style: chr6-152148302-C-T. GRCh37 (hg19) VCF-style: chr6-152469437-C-T.
Other names: c.24506G>A, p.Trp8169Ter (NM_033071.5); c.1325G>A, p.Trp442Ter (NM_001347701.2); c.1184G>A, p.Trp395Ter (NM_001347702.2); short protein forms W395*, W442*, W8169*, W8240*.
Identifiers: ClinVar variation 3897032 (VCV003897032.1).

ClinVar aggregate classification (germline): Likely pathogenic (1 of 4 stars; one submission).

Conditions:
Arthrogryposis multiplex congenita 3, myogenic type. Also called: ARTHROGRYPOSIS MULTIPLEX CONGENITA, MYOGENIC TYPE. Identifiers: MedGen C5193121, MONDO:0032778, OMIM 618484.

Submission:

Kariminejad - Najmabadi Pathology & Genetics Center
Classification: Likely pathogenic for Arthrogryposis multiplex congenita 3, myogenic type. Last evaluated: 2021-09-30. Review status: criteria provided, single submitter. Criteria: ACMG Guidelines, 2015. Collection method: clinical testing. Allele origin: germline. Inheritance: Autosomal recessive inheritance. Affected: yes.
Comment: PVS1 PM2